The following is an entry in ClinVar:

NM_000124.4(ERCC6):c.3637A>T (p.Arg1213Ter)

Gene: ERCC6 (ERCC excision repair 6, chromatin remodeling factor; minus strand). Cytogenetic location: 10q11.23.
Variant type: single nucleotide variant.
Coding change: c.3637A>T on transcript NM_000124.4 (MANE Select); coding-DNA position 3637, A replaced by T.
Protein change: p.Arg1213Ter; replaces arginine 1213 with a stop codon.
Molecular consequence: nonsense.
Genome position (GRCh38, 1-based): chr10:49,470,323, T>A on the plus strand (A>T on the coding strand, the complement: ERCC6 is on the minus strand). VCF-style: chr10-49470323-T-A. GRCh37 (hg19) VCF-style: chr10-50678369-T-A.
Other names: c.3637A>T, p.Arg1213Ter (NM_001346440.2); short protein forms R1213*.
Identifiers: ClinVar variation 983685 (VCV000983685.3), dbSNP rs2228527, ClinGen allele CA376713159.

ClinVar aggregate classification (germline): Likely pathogenic (1 of 4 stars; one submission).

Conditions:
Cockayne syndrome type 2 (CSB). Also called: Cockayne Syndrome, Type II; COCKAYNE SYNDROME B. Identifiers: Orphanet 191, Orphanet 90322, MedGen C0751038, MONDO:0019570, OMIM 133540.

Submission:

Myriad Genetics, Inc.
Classification: Likely pathogenic for Cockayne syndrome type 2. Last evaluated: 2019-10-24. Review status: criteria provided, single submitter. Criteria: Myriad Women's Health Autosomal Recessive and X-Linked Classification Criteria (2019). Collection method: clinical testing. Allele origin: unknown.
Comment: NM_000124.2(ERCC6):c.3637A>T(R1213*) is expected to be pathogenic in the context of ERCC6-related disorders. This variant is predicted to lead to an abnormal or absent protein product due to the creation of a premature termination codon in ERCC6, a gene where loss-of-function variants are known to be pathogenic. Please note: this variant was assessed in the context of healthy population screening.